The following is an entry in ClinVar:

ClinVar aggregate classification (germline): Uncertain significance. Review status: criteria provided, single submitter (1 of 4 stars). 2 submissions from 2 submitters: Uncertain significance (1). 1 of the submissions does not count toward it. Last evaluated 2024-06-27.

Conditions:
Congenital hypothalamic hamartoma syndrome. Also called: PALLISTER-HALL-LIKE SYNDROME. Identifiers: MedGen C5435677, MONDO:0009436, OMIM 241800.

Allele frequency attached by ClinVar (database versions not stated): gnomAD 0.00034 and 0.00036; TOPMed 0.00036; gnomAD exomes 0.00041; ESP Exome Variant Server 0.00046; ExAC 0.00047.
gnomAD v4.1: 1,069 of 1,601,930 alleles (0.067%); highest among the groups gnomAD compares: Non-Finnish European, 0.085%; 1 homozygote.

Submissions (2):

Clinical Genomics Laboratory, Washington University in St. Louis
Classification: Uncertain significance for Congenital hypothalamic hamartoma syndrome. Last evaluated: 2024-06-27. Review status: criteria provided, single submitter. Criteria: ACMG Guidelines, 2015. Collection method: clinical testing. Allele origin: germline. Affected: yes.
Comment: A SMO c.517C>T (p.Arg173Cys) variant was identified at a heterozygous allelic fraction of 52%, a frequency which may be consistent with a germline variant. This variant has been reported in the literature in a patient with osteoarthritis (Styrkarsdottir U et al., PMID: 30374069) as well as during sequencing of a healthy, ancestrally diverse cohort (Bodian DL et al., PMID: 24728327) but to our knowledge, has not been reported in relation with an overgrowth disorder. It is observed on 1,069/1,601,930 alleles in the general population (gnomAD v.4.1.0), including one homozygote. Computational predictors suggest that the variant does not impact SMO function. Due to limited information, and based on ACMG/AMP guidelines for variant interpretation (Richards S et al., PMID: 25741868), the clinical significance of this variant is uncertain at this time.

ITMI
No classification provided. Condition: AllHighlyPenetrant. Last evaluated: 2013-09-19. Review status: no classification provided. Collection method: reference population. Allele origin: germline. Not counted in ClinVar's aggregate classification.
Comment: Please see associated publication for description of ethnicities

Literature cited by the submitters: PubMed 24728327 (cited by ITMI).

NM_005631.5(SMO):c.517C>T (p.Arg173Cys)

Gene: SMO (smoothened, frizzled class receptor; plus strand). Cytogenetic location: 7q32.1.
Variant type: single nucleotide variant.
Coding change: c.517C>T on transcript NM_005631.5 (MANE Select); coding-DNA position 517, C replaced by T.
Protein change: p.Arg173Cys; replaces arginine 173 with cysteine.
Molecular consequence: missense variant.
Genome position (GRCh38, 1-based): chr7:129,203,569, C>T. VCF-style: chr7-129203569-C-T. GRCh37 (hg19) VCF-style: chr7-128843410-C-T.
Other names: c.517C>T, p.Arg173Cys (LRG_1393t1); short protein forms R173C.
Identifiers: ClinVar variation 135265 (VCV000135265.2), dbSNP rs143083812, ClinGen allele CA162176.